The following is an entry in ClinVar:

ClinVar aggregate classification (germline): Uncertain significance (1 of 4 stars; one submission).

Conditions:
Familial cancer of breast. Also called: BREAST CANCER, FAMILIAL; Hereditary breast cancer; hereditary breast carcinoma. Identifiers: Orphanet 227535, MedGen C0346153, MONDO:0016419, OMIM 114480. Disease mechanism: loss of function.

Submission:

Labcorp Genetics (formerly Invitae), Labcorp
Classification: Uncertain significance for Familial cancer of breast. Last evaluated: 2021-09-02. Review status: criteria provided, single submitter. Criteria: Invitae Variant Classification Sherloc (09022015). Collection method: clinical testing. Allele origin: germline.
Comment: This variant is not present in population databases (ExAC no frequency). This sequence change replaces lysine with glutamine at codon 534 of the CHEK2 protein (p.Lys534Gln). The lysine residue is moderately conserved and there is a small physicochemical difference between lysine and glutamine. This variant has not been reported in the literature in individuals affected with CHEK2-related conditions. Algorithms developed to predict the effect of missense changes on protein structure and function are either unavailable or do not agree on the potential impact of this missense change (SIFT: "Tolerated"; PolyPhen-2: "Possibly Damaging"; Align-GVGD: "Class C0"). In summary, the available evidence is currently insufficient to determine the role of this variant in disease. Therefore, it has been classified as a Variant of Uncertain Significance.

NM_007194.4(CHEK2):c.1600A>C (p.Lys534Gln)

Gene: CHEK2 (checkpoint kinase 2; minus strand). Cytogenetic location: 22q12.1.
Variant type: single nucleotide variant.
Coding change: c.1600A>C on transcript NM_007194.4 (MANE Select); coding-DNA position 1600, A replaced by C.
Protein change: p.Lys534Gln; replaces lysine 534 with glutamine.
Molecular consequence: missense variant.
Genome position (GRCh38, 1-based): chr22:28,687,929, T>G on the plus strand (A>C on the coding strand, the complement: CHEK2 is on the minus strand). VCF-style: chr22-28687929-T-G. GRCh37 (hg19) VCF-style: chr22-29083917-T-G.
Other names: c.1729A>C, p.Lys577Gln (NM_001005735.3); c.937A>C, p.Lys313Gln (NM_001257387.3); c.1399A>C, p.Lys467Gln (NM_001349956.3); c.1513A>C, p.Lys505Gln (NM_145862.3); short protein forms K313Q, K577Q, K505Q, K467Q, K534Q.
Identifiers: ClinVar variation 1448398 (VCV001448398.7), dbSNP rs1555911558, ClinGen allele CA411091081.